The following is an entry in ClinVar:

NM_001287491.2(TET3):c.760G>C (p.Asp254His)

Gene: TET3 (tet methylcytosine dioxygenase 3; plus strand). Cytogenetic location: 2p13.1.
Variant type: single nucleotide variant.
Coding change: c.760G>C on transcript NM_001287491.2 (MANE Select); coding-DNA position 760, G replaced by C.
Protein change: p.Asp254His; replaces aspartic acid 254 with histidine.
Molecular consequence: missense variant.
Genome position (GRCh38, 1-based): chr2:74,046,677, G>C. VCF-style: chr2-74046677-G-C. GRCh37 (hg19) VCF-style: chr2-74273804-G-C.
Other names: c.481G>C, p.Asp161His (NM_001366022.1); short protein forms D161H, D254H.
Identifiers: ClinVar variation 4075492 (VCV004075492.1).

ClinVar aggregate classification (germline): Uncertain significance (1 of 4 stars; one submission).

gnomAD v4.1: 18 of 1,613,922 alleles (0.0011%); highest among the groups gnomAD compares: African/African-American, 0.024%; no homozygotes.

Submission:

GeneDx
Classification: Uncertain significance. Last evaluated: 2025-02-13. Review status: criteria provided, single submitter. Criteria: GeneDx Variant Classification Process June 2021. Collection method: clinical testing. Allele origin: germline. Affected: yes.
Comment: In silico analysis indicates that this missense variant does not alter protein structure/function; Has not been previously published as pathogenic or benign to our knowledge